The following is an entry in ClinVar:

NM_000020.3(ACVRL1):c.625G>A (p.Gly209Arg)

Gene: ACVRL1 (activin A receptor like type 1; plus strand). Cytogenetic location: 12q13.13.
Variant type: single nucleotide variant.
Coding change: c.625G>A on transcript NM_000020.3 (MANE Select); coding-DNA position 625, G replaced by A.
Protein change: p.Gly209Arg; replaces glycine 209 with arginine.
Molecular consequence: missense variant.
Genome position (GRCh38, 1-based): chr12:51,914,073, G>A. VCF-style: chr12-51914073-G-A. GRCh37 (hg19) VCF-style: chr12-52307857-G-A.
Other names: c.625G>A, p.Gly209Arg (NM_001077401.2); short protein forms G209R.
Identifiers: ClinVar variation 936933 (VCV000936933.7), dbSNP rs1940766958, ClinGen allele CA384899929.

ClinVar aggregate classification (germline): Conflicting classifications of pathogenicity. Review status: criteria provided, conflicting classifications (1 of 4 stars). 2 submissions from 2 submitters: Likely pathogenic (1); Uncertain significance (1). Last evaluated 2025-10-26.

Conditions:
Cardiovascular phenotype. Identifiers: MedGen CN230736.
Telangiectasia, hereditary hemorrhagic, type 2 (HHT2). Also called: ACVRL1-Related Hereditary Hemorrhagic Telangiectasia; Telangiectasia, hereditary hemorrhagic, type II. Identifiers: Orphanet 774, MedGen C1838163, MONDO:0010880, OMIM 600376. Disease mechanism: loss of function.

Submissions (2):

Labcorp Genetics (formerly Invitae), Labcorp
Classification: Uncertain significance for Telangiectasia, hereditary hemorrhagic, type 2. Last evaluated: 2025-10-26. Review status: criteria provided, single submitter. Criteria: Invitae Variant Classification Sherloc (09022015). Collection method: clinical testing. Allele origin: germline.
Comment: This sequence change replaces glycine, which is neutral and non-polar, with arginine, which is basic and polar, at codon 209 of the ACVRL1 protein (p.Gly209Arg). This variant also falls at the last nucleotide of exon 5, which is part of the consensus splice site for this exon. This variant is not present in population databases (gnomAD no frequency). This variant has not been reported in the literature in individuals affected with ACVRL1-related conditions. ClinVar contains an entry for this variant (Variation ID: 936933). Invitae Evidence Modeling of protein sequence and biophysical properties (such as structural, functional, and spatial information, amino acid conservation, physicochemical variation, residue mobility, and thermodynamic stability) indicates that this missense variant is expected to disrupt ACVRL1 protein function with a positive predictive value of 95%. Variants that disrupt the consensus splice site are a relatively common cause of aberrant splicing (PMID: 17576681, 9536098). Algorithms developed to predict the effect of sequence changes on RNA splicing suggest that this variant may disrupt the consensus splice site. In summary, the available evidence is currently insufficient to determine the role of this variant in disease. Therefore, it has been classified as a Variant of Uncertain Significance.

Ambry Genetics
Classification: Likely pathogenic for Cardiovascular phenotype. Last evaluated: 2017-12-06. Review status: criteria provided, single submitter. Criteria: Ambry Variant Classification Scheme 2023. Collection method: clinical testing. Allele origin: germline.
Comment: The c.625G>A variant (also known as p.G209R), located in coding exon 4 of the ACVRL1 gene, results from a G to A substitution at nucleotide position 625. The amino acid change results in glycine to arginine at codon 209, an amino acid with dissimilar properties. In addition, this change occurs in the last base pair of coding exon 4, which makes it likely to have some effect on normal mRNA splicing. This alteration has been detected in individuals with hereditary hemorrhagic telangiectasia at our laboratory. Both the amino acid and nucleotide positions are highly conserved in available vertebrate species. Using the BDGP and ESEfinder splice site prediction tools, this alteration is predicted to abolish the native splice donor site; however, direct evidence is unavailable. In addition, this alteration is predicted to be deleterious by in silico analysis. Based on the majority of available evidence to date, this variant is likely to be pathogenic.

Literature cited by the submitters: PubMed 17576681 (cited by Labcorp Genetics (formerly Invitae), Labcorp); PubMed 9536098 (cited by Labcorp Genetics (formerly Invitae), Labcorp).